The following is an entry in ClinVar:

NM_000038.6(APC):c.4826C>T (p.Pro1609Leu)

Gene: APC (APC regulator of Wnt signaling pathway; plus strand). Cytogenetic location: 5q22.2.
Variant type: single nucleotide variant.
Coding change: c.4826C>T on transcript NM_000038.6 (MANE Select); coding-DNA position 4826, C replaced by T.
Protein change: p.Pro1609Leu; replaces proline 1609 with leucine.
Molecular consequence: missense variant. On other transcripts: non-coding transcript variant (2).
Genome position (GRCh38, 1-based): chr5:112,840,420, C>T. VCF-style: chr5-112840420-C-T. GRCh37 (hg19) VCF-style: chr5-112176117-C-T.
Other names: c.4826C>T, p.Pro1609Leu (NM_001127510.3, NM_001354895.2, NM_001407450.1); c.4772C>T, p.Pro1591Leu (NM_001127511.3); c.4880C>T, p.Pro1627Leu (NM_001354896.2, NM_001407447.1, NM_001407448.1 and 1 more transcripts); c.4856C>T, p.Pro1619Leu (NM_001354897.2); c.4751C>T, p.Pro1584Leu (NM_001354898.2); c.4742C>T, p.Pro1581Leu (NM_001354899.2); c.4703C>T, p.Pro1568Leu (NM_001354900.2); c.4649C>T, p.Pro1550Leu (NM_001354901.2, NM_001407453.1); and 11 more; short protein forms P1480L, P1602L, P1449L, P1483L, P1518L, P1526L, P1581L, P1627L.
Identifiers: ClinVar variation 4121796 (VCV004121796.1).

ClinVar aggregate classification (germline): Uncertain significance (1 of 4 stars; one submission).

Conditions:
Hereditary cancer-predisposing syndrome. Also called: Hereditary neoplastic syndrome; Neoplastic Syndromes, Hereditary; Tumor predisposition; Hereditary Cancer Syndrome. Identifiers: Orphanet 140162, MedGen C0027672, MeSH D009386, MONDO:0015356.

Submission:

Ambry Genetics
Classification: Uncertain significance for Hereditary cancer-predisposing syndrome. Last evaluated: 2025-09-04. Review status: criteria provided, single submitter. Criteria: Ambry Variant Classification Scheme 2023. Collection method: clinical testing. Allele origin: germline.
Comment: The p.P1609L variant (also known as c.4826C>T), located in coding exon 15 of the APC gene, results from a C to T substitution at nucleotide position 4826. The proline at codon 1609 is replaced by leucine, an amino acid with similar properties. This amino acid position is conserved. In addition, in silico predictors for this gene do not accurately predict pathogenicity. Based on the available evidence, the clinical significance of this variant remains unclear.